The following is an entry in ClinVar:

NM_006073.4(TRDN):c.1223A>C (p.Lys408Thr)

Gene: TRDN (triadin; minus strand). Cytogenetic location: 6q22.31.
Variant type: single nucleotide variant.
Coding change: c.1223A>C on transcript NM_006073.4 (MANE Select); coding-DNA position 1223, A replaced by C.
Protein change: p.Lys408Thr; replaces lysine 408 with threonine.
Molecular consequence: missense variant.
Genome position (GRCh38, 1-based): chr6:123,377,739, T>G on the plus strand (A>C on the coding strand, the complement: TRDN is on the minus strand). VCF-style: chr6-123377739-T-G. GRCh37 (hg19) VCF-style: chr6-123698884-T-G.
Other names: c.1223A>C (NM_006073.2); c.1226A>C, p.Lys409Thr (NM_001251987.2); short protein forms K408T, K409T.
Identifiers: ClinVar variation 1484582 (VCV001484582.9), dbSNP rs2114402336, ClinGen allele CA365566556.

ClinVar aggregate classification (germline): Uncertain significance. Review status: criteria provided, multiple submitters, no conflicts (2 of 4 stars). 3 submissions from 3 submitters: Uncertain significance (3). Last evaluated 2025-12-08.

Conditions:
Cardiovascular phenotype. Identifiers: MedGen CN230736.
Catecholaminergic polymorphic ventricular tachycardia 1. Also called: VENTRICULAR TACHYCARDIA, CATECHOLAMINERGIC POLYMORPHIC, 1, WITH OR WITHOUT ATRIAL DYSFUNCTION AND/OR DILATED CARDIOMYOPATHY; VENTRICULAR TACHYCARDIA, STRESS-INDUCED POLYMORPHIC 1; RYR2-Related Catecholaminergic Polymorphic Ventricular Tachycardia. Identifiers: Orphanet 3286, MedGen C1631597, MONDO:0011484, OMIM 604772.
Catecholaminergic polymorphic ventricular tachycardia 5 (CARDAR). Also called: Ventricular tachycardia, catecholaminergic polymorphic, 5, with or without muscle weakness; CARDIAC ARRHYTHMIA SYNDROME, WITH OR WITHOUT SKELETAL MUSCLE WEAKNESS. Identifiers: Orphanet 3286, MedGen C3809536, MONDO:0014191, OMIM 615441.

Allele frequency attached by ClinVar (database versions not stated): gnomAD exomes below 0.00001.
gnomAD v4.1: 3 of 1,613,230 alleles (0.00019%); highest among the groups gnomAD compares: African/African-American, 0.0027%; no homozygotes.

Submissions (3):

Ambry Genetics
Classification: Uncertain significance for Cardiovascular phenotype. Last evaluated: 2025-12-08. Review status: criteria provided, single submitter. Criteria: Ambry Variant Classification Scheme 2023. Collection method: clinical testing. Allele origin: germline.

Labcorp Genetics (formerly Invitae), Labcorp
Classification: Uncertain significance for Catecholaminergic polymorphic ventricular tachycardia 1. Last evaluated: 2021-09-10. Review status: criteria provided, single submitter. Criteria: Invitae Variant Classification Sherloc (09022015). Collection method: clinical testing. Allele origin: germline.
Comment: In summary, the available evidence is currently insufficient to determine the role of this variant in disease. Therefore, it has been classified as a Variant of Uncertain Significance. Algorithms developed to predict the effect of missense changes on protein structure and function are either unavailable or do not agree on the potential impact of this missense change (SIFT: "Tolerated"; PolyPhen-2: "Probably Damaging"; Align-GVGD: "Class C0"). This variant has not been reported in the literature in individuals with TRDN-related conditions. This variant is not present in population databases (ExAC no frequency). This sequence change replaces lysine with threonine at codon 408 of the TRDN protein (p.Lys408Thr). The lysine residue is moderately conserved and there is a moderate physicochemical difference between lysine and threonine.

Fulgent Genetics
Classification: Uncertain significance for Catecholaminergic polymorphic ventricular tachycardia 1; Catecholaminergic polymorphic ventricular tachycardia 5. Last evaluated: 2021-08-24. Review status: criteria provided, single submitter. Criteria: ACMG Guidelines, 2015. Collection method: clinical testing. Allele origin: unknown.